The following is an entry in ClinVar:

ClinVar aggregate classification (germline): Uncertain significance (1 of 4 stars; one submission).

Conditions:
Myopathy, centronuclear, 2 (CNM2). Also called: MYOTUBULAR MYOPATHY, AUTOSOMAL RECESSIVE. Identifiers: Orphanet 169186, MedGen CN031787, MONDO:0009709, OMIM 255200.

Allele frequency attached by ClinVar (database versions not stated): gnomAD 0.00001; TOPMed 0.00001.
gnomAD v4.1: 1 of 1,612,330 alleles (0.000062%); highest among the groups gnomAD compares: Non-Finnish European, 0.000085%; no homozygotes.

Submission:

Labcorp Genetics (formerly Invitae), Labcorp
Classification: Uncertain significance for Myopathy, centronuclear, 2. Last evaluated: 2022-08-22. Review status: criteria provided, single submitter. Criteria: Invitae Variant Classification Sherloc (09022015). Collection method: clinical testing. Allele origin: germline.
Comment: In summary, the available evidence is currently insufficient to determine the role of this variant in disease. Therefore, it has been classified as a Variant of Uncertain Significance. Algorithms developed to predict the effect of missense changes on protein structure and function are either unavailable or do not agree on the potential impact of this missense change (SIFT: "Deleterious"; PolyPhen-2: "Probably Damaging"; Align-GVGD: "Class C0"). ClinVar contains an entry for this variant (Variation ID: 1017301). This variant has not been reported in the literature in individuals affected with BIN1-related conditions. This variant is not present in population databases (gnomAD no frequency). This sequence change replaces phenylalanine, which is neutral and non-polar, with serine, which is neutral and polar, at codon 584 of the BIN1 protein (p.Phe584Ser).

NM_139343.3(BIN1):c.1751T>C (p.Phe584Ser)

Gene: BIN1 (bridging integrator 1; minus strand). Cytogenetic location: 2q14.3.
Variant type: single nucleotide variant.
Coding change: c.1751T>C on transcript NM_139343.3 (MANE Select); coding-DNA position 1751, T replaced by C.
Protein change: p.Phe584Ser; replaces phenylalanine 584 with serine.
Molecular consequence: missense variant.
Genome position (GRCh38, 1-based): chr2:127,048,557, A>G on the plus strand (T>C on the coding strand, the complement: BIN1 is on the minus strand). VCF-style: chr2-127048557-A-G. GRCh37 (hg19) VCF-style: chr2-127806133-A-G.
Other names: c.1244T>C, p.Phe415Ser (NM_001320632.2); c.1382T>C, p.Phe461Ser (NM_001320633.2); c.1127T>C, p.Phe376Ser (NM_001320634.1); c.1511T>C, p.Phe504Ser (NM_001320640.2); c.1658T>C, p.Phe553Ser (NM_001320641.2); c.1670T>C, p.Phe557Ser (NM_001320642.1); c.1334T>C, p.Phe445Ser (NM_004305.4); c.1622T>C, p.Phe541Ser (NM_139344.3); and 7 more; short protein forms F376S, F400S, F415S, F430S, F445S, F461S, F466S, F473S.
Identifiers: ClinVar variation 1017301 (VCV001017301.8), dbSNP rs1466748456, ClinGen allele CA348373417.